The following is an entry in ClinVar:

NM_182925.5(FLT4):c.3823_3824del (p.Ser1275fs)

Gene: FLT4 (fms related receptor tyrosine kinase 4; minus strand). Cytogenetic location: 5q35.3.
Variant type: Deletion.
Coding change: c.3823_3824del on transcript NM_182925.5 (MANE Select); coding-DNA positions 3823 to 3824, 2 bases deleted (AG; older notation c.3823_3824delAG).
Protein change: p.Ser1275fs; shifts the reading frame from serine 1275.
Molecular consequence: frameshift variant.
Genome position (GRCh38, 1-based): chr5:180,609,037-180,609,038, CT deleted on the plus strand (AG on the coding strand, the reverse complement: FLT4 is on the minus strand). VCF-style (leftmost placement, unchanged base first): chr5-180609036-ACT-A. GRCh37 (hg19) VCF-style: chr5-180036036-ACT-A.
Other names: c.3823_3824del, p.Ser1275fs (NM_001354989.2, NM_002020.5); short protein forms S1275fs.
Identifiers: ClinVar variation 4998082 (VCV004998082.1).

ClinVar aggregate classification (germline): Uncertain significance (1 of 4 stars; one submission).

Conditions:
FLT4-related disorder. Also called: FLT4-related condition.

Submission:

PreventionGenetics, part of Exact Sciences
Classification: Uncertain significance for FLT4-related condition. Last evaluated: 2025-07-31. Review status: criteria provided, single submitter. Criteria: ACMG Guidelines, 2015. Collection method: clinical testing. Allele origin: germline.
Comment: The FLT4 c.3823_3824delAG variant is predicted to result in a frameshift and premature protein termination (p.Ser1275Trpfs*10). This variant occurs in the penultimate exon and no downstream truncating variants have been established as pathogenic. To our knowledge, this variant has not been reported in the literature or in a large population database (gnomAD), indicating this variant is rare. Although we suspect that this variant may be pathogenic, at this time, the clinical significance of this variant is uncertain due to the absence of conclusive functional and genetic evidence.